The following is an entry in ClinVar:

NM_152490.5(B3GALNT2):c.1304_1305delinsTACCTGATAGG (p.Thr435delinsIleProAspArg)

Gene: B3GALNT2 (beta-1,3-N-acetylgalactosaminyltransferase 2; minus strand). Cytogenetic location: 1q42.3.
Variant type: Indel.
Coding change: c.1304_1305delinsTACCTGATAGG on transcript NM_152490.5 (MANE Select); coding-DNA positions 1304 to 1305, CC replaced by TACCTGATAGG.
Protein change: p.Thr435delinsIleProAspArg.
Molecular consequence: inframe indel.
Genome position (GRCh38, 1-based): chr1:235,454,162-235,454,163, GG replaced by CCTATCAGGTA on the plus strand (CC replaced by TACCTGATAGG on the coding strand, the reverse complement: B3GALNT2 is on the minus strand). VCF-style: chr1-235454162-GG-CCTATCAGGTA. GRCh37 (hg19) VCF-style: chr1-235617474-GG-CCTATCAGGTA.
Identifiers: ClinVar variation 2574404 (VCV002574404.1), dbSNP rs2527148129, ClinGen allele CA2573332914.

ClinVar aggregate classification (germline): Uncertain significance (1 of 4 stars; one submission).

Submission:

GeneDx
Classification: Uncertain significance. Last evaluated: 2023-01-25. Review status: criteria provided, single submitter. Criteria: GeneDx Variant Classification Process June 2021. Collection method: clinical testing. Allele origin: germline. Affected: yes.
Comment: Not observed at significant frequency in large population cohorts (gnomAD); In-frame deletion of 1 amino acid and insertion of 4 incorrect amino acids in a non-repeat region; In silico analysis supports that this variant does not alter protein structure/function; Has not been previously published as pathogenic or benign to our knowledge